The following is an entry in ClinVar:

NM_006204.4(PDE6C):c.1330A>G (p.Lys444Glu)

Gene: PDE6C (phosphodiesterase 6C; plus strand). Cytogenetic location: 10q23.33.
Variant type: single nucleotide variant.
Coding change: c.1330A>G on transcript NM_006204.4 (MANE Select); coding-DNA position 1330, A replaced by G.
Protein change: p.Lys444Glu; replaces lysine 444 with glutamic acid.
Molecular consequence: missense variant.
Genome position (GRCh38, 1-based): chr10:93,635,557, A>G. VCF-style: chr10-93635557-A-G. GRCh37 (hg19) VCF-style: chr10-95395314-A-G.
Other names: short protein forms K444E.
Identifiers: ClinVar variation 2867294 (VCV002867294.3), dbSNP rs2492526293, ClinGen allele CA377615212.

ClinVar aggregate classification (germline): Uncertain significance (1 of 4 stars; one submission).

Submission:

Labcorp Genetics (formerly Invitae), Labcorp
Classification: Uncertain significance. Last evaluated: 2023-09-07. Review status: criteria provided, single submitter. Criteria: Invitae Variant Classification Sherloc (09022015). Collection method: clinical testing. Allele origin: germline.
Comment: This variant is not present in population databases (gnomAD no frequency). In summary, the available evidence is currently insufficient to determine the role of this variant in disease. Therefore, it has been classified as a Variant of Uncertain Significance. Advanced modeling of protein sequence and biophysical properties (such as structural, functional, and spatial information, amino acid conservation, physicochemical variation, residue mobility, and thermodynamic stability) performed at Invitae indicates that this missense variant is not expected to disrupt PDE6C protein function. This variant has not been reported in the literature in individuals affected with PDE6C-related conditions. This sequence change replaces lysine, which is basic and polar, with glutamic acid, which is acidic and polar, at codon 444 of the PDE6C protein (p.Lys444Glu).